The following is an entry in ClinVar:

NM_001303052.2(MYT1L):c.412G>A (p.Glu138Lys)

Gene: MYT1L (myelin transcription factor 1 like; minus strand). Cytogenetic location: 2p25.3.
Variant type: single nucleotide variant.
Coding change: c.412G>A on transcript NM_001303052.2 (MANE Select); coding-DNA position 412, G replaced by A.
Protein change: p.Glu138Lys; replaces glutamic acid 138 with lysine.
Molecular consequence: missense variant.
Genome position (GRCh38, 1-based): chr2:1,943,075, C>T on the plus strand (G>A on the coding strand, the complement: MYT1L is on the minus strand). VCF-style: chr2-1943075-C-T. GRCh37 (hg19) VCF-style: chr2-1946847-C-T.
Other names: c.412G>A, p.Glu138Lys (NM_001329844.2, NM_001329845.1, NM_001329846.3 and 6 more transcripts); short protein forms E138K.
Identifiers: ClinVar variation 3336225 (VCV003336225.1).

ClinVar aggregate classification (germline): Uncertain significance (1 of 4 stars; one submission).

gnomAD v4.1: 3 of 1,455,608 alleles (0.00021%); highest among the groups gnomAD compares: Non-Finnish European, 0.00028%; no homozygotes.

Submission:

Women's Health and Genetics/Laboratory Corporation of America, LabCorp
Classification: Uncertain significance. Last evaluated: 2024-05-02. Review status: criteria provided, single submitter. Criteria: LabCorp Variant Classification Summary - May 2015. Collection method: clinical testing. Allele origin: germline.
Comment: Variant summary: MYT1L c.412G>A (p.Glu138Lys) results in a conservative amino acid change in the encoded protein sequence. Four of five in-silico tools predict a benign effect of the variant on protein function. The variant was absent in 156234 control chromosomes. The available data on variant occurrences in the general population are insufficient to allow any conclusion about variant significance. To our knowledge, no occurrence of c.412G>A in individuals affected with Mental Retardation, Autosomal Dominant 39 and no experimental evidence demonstrating its impact on protein function have been reported. No submitters have cited clinical-significance assessments for this variant to ClinVar. Based on the evidence outlined above, the variant was classified as uncertain significance.